The following is an entry in ClinVar:

ClinVar aggregate classification (germline): Uncertain significance (1 of 4 stars; one submission).

Conditions:
MC3R-related disorder. Also called: MC3R-related condition.

Submission:

PreventionGenetics, part of Exact Sciences
Classification: Uncertain significance for MC3R-related condition. Last evaluated: 2025-08-30. Review status: criteria provided, single submitter. Criteria: ACMG Guidelines, 2015. Collection method: clinical testing. Allele origin: germline.
Comment: The MC3R c.875C>T variant is predicted to result in the amino acid substitution p.Ser292Phe. To our knowledge, this variant has not been reported in the literature or in a large population database (gnomAD), indicating this variant is rare. At this time, the clinical significance of this variant is uncertain due to the absence of conclusive functional and genetic evidence.

NM_019888.3(MC3R):c.875C>T (p.Ser292Phe)

Gene: MC3R (melanocortin 3 receptor; plus strand). Cytogenetic location: 20q13.2.
Variant type: single nucleotide variant.
Coding change: c.875C>T on transcript NM_019888.3 (MANE Select); coding-DNA position 875, C replaced by T.
Protein change: p.Ser292Phe; replaces serine 292 with phenylalanine.
Molecular consequence: missense variant.
Genome position (GRCh38, 1-based): chr20:56,249,718, C>T. VCF-style: chr20-56249718-C-T. GRCh37 (hg19) VCF-style: chr20-54824774-C-T.
Other names: short protein forms S292F.
Identifiers: ClinVar variation 4981972 (VCV004981972.1).